The following is an entry in ClinVar:

ClinVar aggregate classification (germline): Uncertain significance (1 of 4 stars; one submission).

Conditions:
Charcot-Marie-Tooth Neuropathy X. Identifiers: MedGen CN118851.

Submission:

Labcorp Genetics (formerly Invitae), Labcorp
Classification: Uncertain significance for Charcot-Marie-Tooth Neuropathy X. Last evaluated: 2024-05-01. Review status: criteria provided, single submitter. Criteria: Invitae Variant Classification Sherloc (09022015). Collection method: clinical testing. Allele origin: germline.
Comment: This sequence change replaces aspartic acid, which is acidic and polar, with valine, which is neutral and non-polar, at codon 169 of the GJB1 protein (p.Asp169Val). This variant is not present in population databases (gnomAD no frequency). This variant has not been reported in the literature in individuals affected with GJB1-related conditions. Advanced modeling of protein sequence and biophysical properties (such as structural, functional, and spatial information, amino acid conservation, physicochemical variation, residue mobility, and thermodynamic stability) performed at Invitae indicates that this missense variant is not expected to disrupt GJB1 protein function with a negative predictive value of 80%. In summary, the available evidence is currently insufficient to determine the role of this variant in disease. Therefore, it has been classified as a Variant of Uncertain Significance.

NM_000166.6(GJB1):c.506A>T (p.Asp169Val)

Gene: GJB1 (gap junction protein beta 1; plus strand). Cytogenetic location: Xq13.1.
Variant type: single nucleotide variant.
Coding change: c.506A>T on transcript NM_000166.6 (MANE Select); coding-DNA position 506, A replaced by T.
Protein change: p.Asp169Val; replaces aspartic acid 169 with valine.
Molecular consequence: missense variant.
Genome position (GRCh38, 1-based): chrX:71,224,213, A>T. VCF-style: chrX-71224213-A-T. GRCh37 (hg19) VCF-style: chrX-70444063-A-T.
Other names: c.506A>T, p.Asp169Val (NM_001097642.3); short protein forms D169V.
Identifiers: ClinVar variation 3651761 (VCV003651761.2).
Genomic context (GRCh38, chrX:71,224,213, plus strand): 5'-TCATGTATGTCTTTTATCTGCTCTACCCTGGCTATGCCATGGTGCGGCTGGTCAAGTGCG[A>T]CGTCTACCCCTGCCCCAACACAGTGGACTGCTTCGTGTCCCGCCCCACCGAGAAAACCGT-3'
Protein context (NP_000157.1, residues 159-179): GYAMVRLVKC[Asp169Val]VYPCPNTVDC